The following is an entry in ClinVar:

ClinVar aggregate classification (germline): Pathogenic (1 of 4 stars; one submission).

Conditions:
Multiple endocrine neoplasia, type 1 (MEN1). Also called: Endocrine adenomatosis multiple; MEN 1; MEA I; MEN I; WERMER SYNDROME. Identifiers: Orphanet 652, MedGen C0025267, MeSH D018761, MONDO:0007540, OMIM 131100.

Submission:

Labcorp Genetics (formerly Invitae), Labcorp
Classification: Pathogenic for Multiple endocrine neoplasia, type 1. Last evaluated: 2020-11-13. Review status: criteria provided, single submitter. Criteria: Invitae Variant Classification Sherloc (09022015). Collection method: clinical testing. Allele origin: germline.
Comment: This sequence change replaces tryptophan with cysteine at codon 183 of the MEN1 protein (p.Trp183Cys). The tryptophan residue is highly conserved and there is a large physicochemical difference between tryptophan and cysteine. This variant is not present in population databases (ExAC no frequency). This variant has been observed in individual(s) with multiple endocrine neoplasia type 1 (PMID: 16699310, 22281890, 11524904). Advanced modeling of protein sequence and biophysical properties (such as structural, functional, and spatial information, amino acid conservation, physicochemical variation, residue mobility, and thermodynamic stability) performed at Invitae indicates that this missense variant is expected to disrupt MEN1 protein function. This variant disrupts the p.Trp183 amino acid residue in MEN1. Other variant(s) that disrupt this residue have been observed in individuals with MEN1-related conditions (PMID: 10576763, 28663159, 9215690), which suggests that this may be a clinically significant amino acid residue. For these reasons, this variant has been classified as Pathogenic.

Literature cited by the submitters: PubMed 16699310; PubMed 22281890; PubMed 11524904; PubMed 10576763; PubMed 28663159; PubMed 9215690.

NM_001370259.2(MEN1):c.549G>C (p.Trp183Cys)

Gene: MEN1 (menin 1; minus strand). Cytogenetic location: 11q13.1.
Variant type: single nucleotide variant.
Coding change: c.549G>C on transcript NM_001370259.2 (MANE Select); coding-DNA position 549, G replaced by C.
Protein change: p.Trp183Cys; replaces tryptophan 183 with cysteine.
Molecular consequence: missense variant.
Genome position (GRCh38, 1-based): chr11:64,807,996, C>G on the plus strand (G>C on the coding strand, the complement: MEN1 is on the minus strand). VCF-style: chr11-64807996-C-G. GRCh37 (hg19) VCF-style: chr11-64575468-C-G.
Other names: c.564G>C, p.Trp188Cys (NM_000244.4, NM_130800.3, NM_130801.3 and 3 more transcripts); c.549G>C, p.Trp183Cys (NM_001370251.2, NM_001370260.2, NM_001370261.2 and 3 more transcripts); short protein forms W183C, W188C.
Identifiers: ClinVar variation 1452905 (VCV001452905.8), dbSNP rs2136153753, ClinGen allele CA381185806.